The following is an entry in ClinVar:

ClinVar aggregate classification (germline): Conflicting classifications of pathogenicity. Review status: criteria provided, conflicting classifications (1 of 4 stars). 3 submissions from 3 submitters: Uncertain significance (2); Likely benign (1). Last evaluated 2025-12-13.

Conditions:
Loeys-Dietz syndrome 2 (LDS2). Also called: TGFBR2-Related Loeys-Dietz Syndrome; AORTIC ANEURYSM, FAMILIAL THORACIC 3; MARFAN SYNDROME, TYPE II; Marfan syndrome, type 2 (formerly); Marfan Syndrome type 2; Marfan like connective tissue disorder. Identifiers: Orphanet 284973, Orphanet 558, MedGen C2674574, MONDO:0012427, OMIM 610168.

Allele frequency attached by ClinVar (database versions not stated): TOPMed 0.00005; gnomAD 0.00006 and 0.00008; ExAC 0.00012; gnomAD exomes 0.00012 and 0.00016; ESP Exome Variant Server 0.00015.
gnomAD v4.1: 248 of 1,613,604 alleles (0.015%); highest among the groups gnomAD compares: South Asian, 0.065%; no homozygotes.

Submissions (3):

Labcorp Genetics (formerly Invitae), Labcorp
Classification: Uncertain significance for Loeys-Dietz syndrome 2. Last evaluated: 2025-12-13. Review status: criteria provided, single submitter. Criteria: Invitae Variant Classification Sherloc (09022015). Collection method: clinical testing. Allele origin: germline.
Comment: This sequence change replaces glycine, which is neutral and non-polar, with glutamic acid, which is acidic and polar, at codon 265 of the TMPO protein (p.Gly265Glu). This variant is present in population databases (rs368211058, gnomAD 0.06%), and has an allele count higher than expected for a pathogenic variant. This variant has not been reported in the literature in individuals affected with TMPO-related conditions. ClinVar contains an entry for this variant (Variation ID: 310764). Invitae Evidence Modeling of protein sequence and biophysical properties (such as structural, functional, and spatial information, amino acid conservation, physicochemical variation, residue mobility, and thermodynamic stability) indicates that this missense variant is not expected to disrupt TMPO protein function with a negative predictive value of 80%. In summary, the available evidence is currently insufficient to determine the role of this variant in disease. Therefore, it has been classified as a Variant of Uncertain Significance.

GeneDx
Classification: Uncertain significance. Last evaluated: 2025-01-13. Review status: criteria provided, single submitter. Criteria: GeneDx Variant Classification Process June 2021. Collection method: clinical testing. Allele origin: germline. Affected: yes.
Comment: Has not been previously published as pathogenic or benign to our knowledge; In silico analysis indicates that this missense variant does not alter protein structure/function

Ambry Genetics
Classification: Likely benign. Last evaluated: 2023-11-02. Review status: criteria provided, single submitter. Criteria: Ambry Variant Classification Scheme 2023. Collection method: clinical testing. Allele origin: germline.

NM_001032283.3(TMPO):c.565+1213G>A

Gene: TMPO (thymopoietin; plus strand). Cytogenetic location: 12q23.1.
Variant type: single nucleotide variant.
Coding change: c.565+1213G>A on transcript NM_001032283.3 (MANE Select); 1213 bases into the intron after coding-DNA position 565, G replaced by A.
Molecular consequence: intron variant. On other transcripts: missense variant (1).
Genome position (GRCh38, 1-based): chr12:98,533,051, G>A. VCF-style: chr12-98533051-G-A. GRCh37 (hg19) VCF-style: chr12-98926829-G-A.
Other names: c.794G>A, p.Gly265Glu (NM_003276.2); c.565+1213G>A (NM_001307975.2, NM_001032284.3); short protein forms G265E.
Identifiers: ClinVar variation 310764 (VCV000310764.16), dbSNP rs368211058, ClinGen allele CA6732287.